The following is an entry in ClinVar:

ClinVar aggregate classification (germline): Uncertain significance (1 of 4 stars; one submission).

Submission:

GeneDx
Classification: Uncertain significance. Last evaluated: 2024-08-12. Review status: criteria provided, single submitter. Criteria: GeneDx Variant Classification Process June 2021. Collection method: clinical testing. Allele origin: germline. Affected: yes.
Comment: Not observed at significant frequency in large population cohorts (gnomAD); In silico analysis indicates that this missense variant does not alter protein structure/function; Has not been previously published as pathogenic or benign to our knowledge

NM_002693.3(POLG):c.242G>C (p.Arg81Thr)

Genes: POLG (DNA polymerase gamma, catalytic subunit; minus strand), POLGARF (POLG alternative reading frame; minus strand). Cytogenetic location: 15q26.1.
Variant type: single nucleotide variant.
Coding change: c.242G>C on transcript NM_002693.3 (MANE Select); coding-DNA position 242, G replaced by C.
Protein change: p.Arg81Thr; replaces arginine 81 with threonine.
Molecular consequence: missense variant.
Genome position (GRCh38, 1-based): chr15:89,333,513, C>G on the plus strand (G>C on the coding strand, the complement: POLG is on the minus strand). VCF-style: chr15-89333513-C-G. GRCh37 (hg19) VCF-style: chr15-89876744-C-G.
Other names: c.297G>C, p.Glu99Asp (NM_001430120.1); c.242G>C, p.Arg81Thr (NM_001126131.2); short protein forms E99D, R81T.
Identifiers: ClinVar variation 3730892 (VCV003730892.1).